The following is an entry in ClinVar:

NM_014875.3(KIF14):c.1712_1746+27del

Gene: KIF14 (kinesin family member 14; minus strand). Cytogenetic location: 1q32.1.
Variant type: Deletion.
Coding change: c.1712_1746+27del on transcript NM_014875.3 (MANE Select); coding-DNA position 1712 through 27 bases into the intron after coding-DNA position 1746, 62 bases deleted.
Molecular consequence: splice donor variant.
Genome position (GRCh38, 1-based): chr1:200,605,256-200,605,317, 62 bases deleted. GRCh37 (hg19): chr1:200,574,401-200,574,462.
Other names: c.1712_1746+27del62 (NM_014875.3); c.239_273+27del (NM_001305792.1).
Identifiers: ClinVar variation 3374951 (VCV003374951.2).

ClinVar aggregate classification (germline): Likely pathogenic (1 of 4 stars; one submission).

Conditions:
Joubert syndrome and related disorders. Identifiers: Orphanet 140874, MedGen C5679612, MONDO:0015369.

Submission:

Women's Health and Genetics/Laboratory Corporation of America, LabCorp
Classification: Likely pathogenic for Joubert syndrome and related disorders. Last evaluated: 2025-10-24. Review status: criteria provided, single submitter. Criteria: LabCorp Variant Classification Summary - May 2015. Collection method: clinical testing. Allele origin: germline.
Comment: Variant summary: KIF14 c.1712_1746+27del62 is located in a canonical splice-site and is predicted to affect mRNA splicing resulting in a significantly altered protein due to either exon skipping, shortening, or inclusion of intronic material. Variants that disrupt the consensus splice site are a relatively common cause of aberrant splicing and loss of KIF14 function. Several computational tools predict a significant impact on normal splicing: Four predict the variant abolishes a 5' splicing donor site. However, these predictions have yet to be confirmed by functional studies. The frequency data for this variant in gnomAD is considered unreliable, as metrics indicate poor data quality at this position. To our knowledge, no occurrence of c.1712_1746+27del62 in individuals affected with KIF14-related conditions and no experimental evidence demonstrating its impact on protein function have been reported. ClinVar contains an entry for this variant (Variation ID: 3374951). Based on the evidence outlined above, the variant was classified as likely pathogenic.